The following is an entry in ClinVar:

NM_001943.5(DSG2):c.634T>C (p.Tyr212His)

Gene: DSG2 (desmoglein 2; plus strand). Cytogenetic location: 18q12.1.
Variant type: single nucleotide variant.
Coding change: c.634T>C on transcript NM_001943.5 (MANE Select); coding-DNA position 634, T replaced by C.
Protein change: p.Tyr212His; replaces tyrosine 212 with histidine.
Molecular consequence: missense variant.
Genome position (GRCh38, 1-based): chr18:31,522,193, T>C. VCF-style: chr18-31522193-T-C. GRCh37 (hg19) VCF-style: chr18-29102156-T-C.
Other names: short protein forms Y212H.
Identifiers: ClinVar variation 3894320 (VCV003894320.1).

ClinVar aggregate classification (germline): Uncertain significance (1 of 4 stars; one submission).

Conditions:
Cardiomyopathy (CMYO). Also called: Cardiomyopathies. Identifiers: Orphanet 167848, MedGen C0878544, MONDO:0004994, HP:0001638. Inheritance: Various modes of inheritance.

gnomAD v4.1: 1 of 1,613,938 alleles (0.000062%); highest among the groups gnomAD compares: Non-Finnish European, 0.000085%; no homozygotes.

Submission:

Color Diagnostics, LLC DBA Color Health
Classification: Uncertain significance for Cardiomyopathy. Last evaluated: 2024-03-10. Review status: criteria provided, single submitter. Criteria: ACMG Guidelines, 2015. Collection method: clinical testing. Allele origin: germline.
Comment: This missense variant replaces tyrosine with histidine at codon 212 of the DSG2 protein. Computational prediction suggests that this variant may not impact protein structure and function (internally defined REVEL score threshold <= 0.5, PMID: 27666373). To our knowledge, functional studies have not been reported for this variant. This variant has not been reported in individuals affected with DSG2-related disorders in the literature. This variant has not been identified in the general population by the Genome Aggregation Database (gnomAD). The available evidence is insufficient to determine the role of this variant in disease conclusively. Therefore, this variant is classified as a Variant of Uncertain Significance.